The following is an entry in ClinVar:

NM_152564.5(VPS13B):c.-2A>G

Gene: VPS13B (vacuolar protein sorting 13 homolog B; plus strand). Cytogenetic location: 8q22.2.
Variant type: single nucleotide variant.
Coding change: c.-2A>G on transcript NM_152564.5 (MANE Select); 2 bases upstream of the start codon, A replaced by G.
Molecular consequence: 5 prime UTR variant. On other transcripts: non-coding transcript variant (1).
Genome position (GRCh38, 1-based): chr8:99,013,787, A>G. VCF-style: chr8-99013787-A-G. GRCh37 (hg19) VCF-style: chr8-100026015-A-G.
Other names: c.-2A>G (NM_015243.3, NM_017890.5, NM_181661.3).
Identifiers: ClinVar variation 1798643 (VCV001798643.3), dbSNP rs550982475, ClinGen allele CA4822268.
Genomic context (GRCh38, chr8:99,013,787, plus strand): 5'-CCGACTTCTAACGTTTCTGTCTACTCCTTTCAGCTTCCGACTTCGACTCCTTACCTTAAA[A>G]GATGCTGGAGTCATATGTAACTCCAATTTTAATGAGCTATGTGAATCGCTACATCAAGAA-3'

ClinVar aggregate classification (germline): Uncertain significance. Review status: criteria provided, multiple submitters, no conflicts (2 of 4 stars). 2 submissions from 2 submitters: Uncertain significance (2). Last evaluated 2025-04-24.

Conditions:
Inborn genetic diseases. Identifiers: MedGen C0950123, MeSH D030342.
VPS13B-related disorder. Also called: VPS13B-related condition.

Allele frequency attached by ClinVar (database versions not stated): gnomAD 0.00001; ExAC 0.00002; gnomAD exomes 0.00003; TOPMed 0.00006.
gnomAD v4.1: 51 of 1,613,970 alleles (0.0032%); highest among the groups gnomAD compares: Admixed American, 0.005%; no homozygotes.

Submissions (2):

PreventionGenetics, part of Exact Sciences
Classification: Uncertain significance for VPS13B-related condition. Last evaluated: 2025-04-24. Review status: criteria provided, single submitter. Criteria: ACMG Guidelines, 2015. Collection method: clinical testing. Allele origin: germline.
Comment: The VPS13B c.-2A>G variant is located in the 5' untranslated region. To our knowledge, this variant has not been reported in the literature. This variant is reported in 0.0085% of alleles in individuals of Latino descent in gnomAD. At this time, the clinical significance of this variant is uncertain due to the absence of conclusive functional and genetic evidence.

Ambry Genetics
Classification: Uncertain significance for Inborn genetic diseases. Last evaluated: 2019-03-12. Review status: criteria provided, single submitter. Criteria: Ambry Variant Classification Scheme 2023. Collection method: clinical testing. Allele origin: germline.
Comment: The c.-2A>G variant is located in the 5' untranslated region (5&rsquo; UTR) of the VPS13B gene. This variant results from an A to G substitution 2 bases upstream from the first translated codon. This nucleotide position is not well conserved in available vertebrate species. Since supporting evidence is limited at this time, the clinical significance of this alteration remains unclear.